The following is an entry in ClinVar:

NM_001614.5(ACTG1):c.807G>T (p.Met269Ile)

Gene: ACTG1 (actin gamma 1; minus strand). Cytogenetic location: 17q25.3.
Variant type: single nucleotide variant.
Coding change: c.807G>T on transcript NM_001614.5 (MANE Select); coding-DNA position 807, G replaced by T.
Protein change: p.Met269Ile; replaces methionine 269 with isoleucine.
Molecular consequence: missense variant. On other transcripts: non-coding transcript variant (1).
Genome position (GRCh38, 1-based): chr17:81,511,104, C>A on the plus strand (G>T on the coding strand, the complement: ACTG1 is on the minus strand). VCF-style: chr17-81511104-C-A. GRCh37 (hg19) VCF-style: chr17-79478130-C-A.
Other names: c.807G>T, p.Met269Ile (NM_001199954.3); short protein forms M269I.
Identifiers: ClinVar variation 3365356 (VCV003365356.1).

ClinVar aggregate classification (germline): Uncertain significance (1 of 4 stars; one submission).

Submission:

GeneDx
Classification: Uncertain significance. Last evaluated: 2023-12-07. Review status: criteria provided, single submitter. Criteria: GeneDx Variant Classification Process June 2021. Collection method: clinical testing. Allele origin: germline. Affected: yes.
Comment: Not observed at significant frequency in large population cohorts (gnomAD); In silico analysis supports that this missense variant does not alter protein structure/function; Missense variants in this gene are a common cause of disease and they are underrepresented in the general population; Has not been previously published as pathogenic or benign to our knowledge